The following is an entry in ClinVar:

NM_005612.5(REST):c.666del (p.Tyr223fs)

Gene: REST (RE1 silencing transcription factor; plus strand). Cytogenetic location: 4q12.
Variant type: Deletion.
Coding change: c.666del on transcript NM_005612.5 (MANE Select); coding-DNA position 666, one base deleted (C; older notation c.666delC).
Protein change: p.Tyr223fs; shifts the reading frame from tyrosine 223.
Molecular consequence: frameshift variant.
Genome position (GRCh38, 1-based): chr4:56,911,304, C deleted. VCF-style (leftmost placement, unchanged base first): chr4-56911303-GC-G. GRCh37 (hg19) VCF-style: chr4-57777469-GC-G.
Other names: c.666delC, p.Tyr223Thrfs (NM_001193508.2, NM_001363453.3); short protein forms Y223fs.
Identifiers: ClinVar variation 3728050 (VCV003728050.2).

ClinVar aggregate classification (germline): Pathogenic (1 of 4 stars; one submission).

Submission:

Labcorp Genetics (formerly Invitae), Labcorp
Classification: Pathogenic. Last evaluated: 2024-12-24. Review status: criteria provided, single submitter. Criteria: Invitae Variant Classification Sherloc (09022015). Collection method: clinical testing. Allele origin: germline.
Comment: This sequence change creates a premature translational stop signal (p.Tyr223Thrfs*13) in the REST gene. It is expected to result in an absent or disrupted protein product. Loss-of-function variants in REST are known to be pathogenic (PMID: 26551668). This variant is not present in population databases (gnomAD no frequency). This variant has not been reported in the literature in individuals affected with REST-related conditions. For these reasons, this variant has been classified as Pathogenic.

Literature cited by the submitters: PubMed 26551668.